The following is an entry in ClinVar:

NM_170754.4(TNS2):c.2928G>C (p.Pro976=)

Gene: TNS2 (tensin 2; plus strand). Cytogenetic location: 12q13.13.
Variant type: single nucleotide variant.
Coding change: c.2928G>C on transcript NM_170754.4 (MANE Select); coding-DNA position 2928, G replaced by C.
Protein change: p.Pro976=; no amino-acid change (proline 976 retained).
Molecular consequence: synonymous variant.
Genome position (GRCh38, 1-based): chr12:53,060,834, G>C. VCF-style: chr12-53060834-G-C. GRCh37 (hg19) VCF-style: chr12-53454618-G-C.
Other names: c.2928G>C, p.Pro976= (NM_001416202.1); c.2886G>C, p.Pro962= (NM_001416203.1); c.2955G>C, p.Pro985= (NM_001416204.1); c.2859G>C, p.Pro953= (NM_015319.3); c.2556G>C, p.Pro852= (NM_198316.2); c.2958G>C (NM_015319.2).
Identifiers: ClinVar variation 1977965 (VCV001977965.7), dbSNP rs201254888, ClinGen allele CA480079922.
Genomic context (GRCh38, chr12:53,060,834, plus strand): 5'-GGCCCCTGAGCTGCCGTCGGGAAGTGGGCCTGAGCCTCTGGCCCCTAGCCCAGTCTCTCC[G>C]ACCTTCCCTCCCAGCTCGCCCAGTGACTGGCCTCAGGAAAGGAGTCCAGGGGGCCACTCA-3'
Protein context (NP_736610.2, residues 966-986): PEPLAPSPVS[Pro976=]TFPPSSPSDW

ClinVar aggregate classification (germline): Likely benign. Review status: criteria provided, single submitter (1 of 4 stars). 2 submissions from 2 submitters: Likely benign (1). 1 of the submissions does not count toward it. Last evaluated 2022-05-03.

Conditions:
TNS2-related disorder. Also called: TNS2-related condition.

gnomAD v4.1: 2 of 1,604,052 alleles (0.00012%); highest among the groups gnomAD compares: Admixed American, 0.0017%; no homozygotes.

Submissions (2):

Labcorp Genetics (formerly Invitae), Labcorp
Classification: Likely benign. Last evaluated: 2022-05-03. Review status: criteria provided, single submitter. Criteria: Invitae Variant Classification Sherloc (09022015). Collection method: clinical testing. Allele origin: germline.

PreventionGenetics, part of Exact Sciences
Classification: Likely benign for TNS2-related condition. Last evaluated: 2020-08-11. Review status: no assertion criteria provided. Collection method: clinical testing. Allele origin: germline. Not counted in ClinVar's aggregate classification.
Comment: This variant is classified as likely benign based on ACMG/AMP sequence variant interpretation guidelines (Richards et al. 2015 PMID: 25741868, with internal and published modifications).